The following is an entry in ClinVar:

NM_000275.3(OCA2):c.2043C>A (p.Thr681=)

Gene: OCA2 (OCA2 melanosomal transmembrane protein; minus strand). Cytogenetic location: 15q13.1.
Variant type: single nucleotide variant.
Coding change: c.2043C>A on transcript NM_000275.3 (MANE Select); coding-DNA position 2043, C replaced by A.
Protein change: p.Thr681=; no amino-acid change (threonine 681 retained).
Molecular consequence: synonymous variant.
Genome position (GRCh38, 1-based): chr15:27,926,163, G>T on the plus strand (C>A on the coding strand, the complement: OCA2 is on the minus strand). VCF-style: chr15-27926163-G-T. GRCh37 (hg19) VCF-style: chr15-28171309-G-T.
Other names: c.1971C>A, p.Thr657= (NM_001300984.2).
Identifiers: ClinVar variation 1911386 (VCV001911386.11), dbSNP rs368126732, ClinGen allele CA7438790.

ClinVar aggregate classification (germline): Likely benign. Review status: criteria provided, multiple submitters, no conflicts (2 of 4 stars). 2 submissions from 2 submitters: Likely benign (2). Last evaluated 2025-11-01.

gnomAD v4.1: 11 of 1,613,972 alleles (0.00068%); highest among the groups gnomAD compares: South Asian, 0.0033%; no homozygotes.

Submissions (2):

CeGaT Center for Human Genetics Tuebingen
Classification: Likely benign. Last evaluated: 2025-11-01. Review status: criteria provided, single submitter. Criteria: CeGaT Center For Human Genetics Tuebingen Variant Classification Criteria Version 2. Collection method: clinical testing. Allele origin: germline. Affected: yes. Observed: 1 variant allele.
Comment: OCA2: BP4, BP7

Labcorp Genetics (formerly Invitae), Labcorp
Classification: Likely benign. Last evaluated: 2025-09-02. Review status: criteria provided, single submitter. Criteria: Invitae Variant Classification Sherloc (09022015). Collection method: clinical testing. Allele origin: germline.